The following is an entry in ClinVar:

NM_006059.4(LAMC3):c.290A>G (p.Gln97Arg)

Gene: LAMC3 (laminin subunit gamma 3; plus strand). Cytogenetic location: 9q34.12.
Variant type: single nucleotide variant.
Coding change: c.290A>G on transcript NM_006059.4 (MANE Select); coding-DNA position 290, A replaced by G.
Protein change: p.Gln97Arg; replaces glutamine 97 with arginine.
Molecular consequence: missense variant.
Genome position (GRCh38, 1-based): chr9:131,009,504, A>G. VCF-style: chr9-131009504-A-G. GRCh37 (hg19) VCF-style: chr9-133884891-A-G.
Other names: short protein forms Q97R.
Identifiers: ClinVar variation 279830 (VCV000279830.54), dbSNP rs141758463, ClinGen allele CA5286646.

ClinVar aggregate classification (germline): Uncertain significance. Review status: criteria provided, multiple submitters, no conflicts (2 of 4 stars). 8 submissions from 8 submitters: Uncertain significance (5). 3 of the submissions do not count toward it. Last evaluated 2024-11-08.

Conditions:
Occipital pachygyria and polymicrogyria. Identifiers: Orphanet 280640, MedGen C3279875, MONDO:0013583, OMIM 614115.

Allele frequency attached by ClinVar (database versions not stated): 1000 Genomes Project 30x 0.00016; 1000 Genomes Project 0.00020; TOPMed 0.00028; gnomAD 0.00031 and 0.00034; ESP Exome Variant Server 0.00032; gnomAD exomes 0.00050 and 0.00052; ExAC 0.00127.
gnomAD v4.1: 772 of 1,552,310 alleles (0.05%); highest among the groups gnomAD compares: South Asian, 0.13%; 2 homozygotes.

Submissions (8):

Blueprint Genetics
Classification: Uncertain significance. Last evaluated: 2024-11-08. Review status: criteria provided, single submitter. Criteria: ACMG Guidelines, 2015. Collection method: clinical testing. Allele origin: germline.

GeneDx
Classification: Uncertain significance. Last evaluated: 2023-05-04. Review status: criteria provided, single submitter. Criteria: GeneDx Variant Classification Process June 2021. Collection method: clinical testing. Allele origin: germline. Affected: yes.
Comment: In silico analysis supports that this missense variant does not alter protein structure/function; Has not been previously published as pathogenic or benign to our knowledge

Labcorp Genetics (formerly Invitae), Labcorp
Classification: Uncertain significance. Last evaluated: 2022-10-25. Review status: criteria provided, single submitter. Criteria: Invitae Variant Classification Sherloc (09022015). Collection method: clinical testing. Allele origin: germline.
Comment: This sequence change replaces glutamine, which is neutral and polar, with arginine, which is basic and polar, at codon 97 of the LAMC3 protein (p.Gln97Arg). This variant is present in population databases (rs141758463, gnomAD 0.1%), and has an allele count higher than expected for a pathogenic variant. This variant has not been reported in the literature in individuals affected with LAMC3-related conditions. ClinVar contains an entry for this variant (Variation ID: 279830). Algorithms developed to predict the effect of missense changes on protein structure and function are either unavailable or do not agree on the potential impact of this missense change (SIFT: "Tolerated"; PolyPhen-2: "Possibly Damaging"; Align-GVGD: "Class C0"). In summary, the available evidence is currently insufficient to determine the role of this variant in disease. Therefore, it has been classified as a Variant of Uncertain Significance.

Fulgent Genetics
Classification: Uncertain significance for Occipital pachygyria and polymicrogyria. Last evaluated: 2018-10-31. Review status: criteria provided, single submitter. Criteria: ACMG Guidelines, 2015. Collection method: clinical testing. Allele origin: unknown.

CeGaT Center for Human Genetics Tuebingen
Classification: Uncertain significance. Last evaluated: 2017-08-01. Review status: criteria provided, single submitter. Criteria: CeGaT Center For Human Genetics Tuebingen Variant Classification Criteria Version 2. Collection method: clinical testing. Allele origin: germline. Affected: yes. Observed: 1 variant allele.

Clinical Genetics DNA and cytogenetics Diagnostics Lab, Erasmus MC, Erasmus Medical Center
Classification: Likely benign. Review status: no assertion criteria provided. Collection method: clinical testing. Allele origin: germline. Affected: yes. Study: VKGL Data-share Consensus. Not counted in ClinVar's aggregate classification.

Diagnostic Laboratory, Department of Genetics, University Medical Center Groningen
Classification: Likely benign. Review status: no assertion criteria provided. Collection method: clinical testing. Allele origin: germline. Affected: yes. Study: VKGL Data-share Consensus. Not counted in ClinVar's aggregate classification.

Genome Diagnostics Laboratory, Amsterdam University Medical Center
Classification: Likely benign. Review status: no assertion criteria provided. Collection method: clinical testing. Allele origin: germline. Affected: yes. Study: VKGL Data-share Consensus. Not counted in ClinVar's aggregate classification.